The following is an entry in ClinVar:

ClinVar aggregate classification (germline): Pathogenic (1 of 4 stars; one submission).

Conditions:
Tumor predisposition syndrome 3 (TPDS3). Also called: Melanoma, cutaneous malignant, susceptibility to, 10; LONG TELOMERE SYNDROME, POT1-RELATED; POT1 Tumor Predisposition; Glioma susceptibility 9. Identifiers: Orphanet 618, MedGen C4014476, MONDO:0014368, OMIM 615848.

Submission:

Labcorp Genetics (formerly Invitae), Labcorp
Classification: Pathogenic for Tumor predisposition syndrome 3. Last evaluated: 2023-10-13. Review status: criteria provided, single submitter. Criteria: Invitae Variant Classification Sherloc (09022015). Collection method: clinical testing. Allele origin: germline.
Comment: This sequence change creates a premature translational stop signal (p.Leu261*) in the POT1 gene. It is expected to result in an absent or disrupted protein product. Loss-of-function variants in POT1 are known to be pathogenic (PMID: 32155570). This variant is not present in population databases (gnomAD no frequency). This variant has not been reported in the literature in individuals affected with POT1-related conditions. ClinVar contains an entry for this variant (Variation ID: 1460331). For these reasons, this variant has been classified as Pathogenic.

Literature cited by the submitters: PubMed 32155570.

NM_015450.3(POT1):c.782T>G (p.Leu261Ter)

Gene: POT1 (protection of telomeres 1; minus strand). Cytogenetic location: 7q31.33.
Variant type: single nucleotide variant.
Coding change: c.782T>G on transcript NM_015450.3 (MANE Select); coding-DNA position 782, T replaced by G.
Protein change: p.Leu261Ter; replaces leucine 261 with a stop codon.
Molecular consequence: nonsense. On other transcripts: non-coding transcript variant (3).
Genome position (GRCh38, 1-based): chr7:124,853,059, A>C on the plus strand (T>G on the coding strand, the complement: POT1 is on the minus strand). VCF-style: chr7-124853059-A-C. GRCh37 (hg19) VCF-style: chr7-124493113-A-C.
Other names: c.389T>G, p.Leu130Ter (NM_001042594.2); short protein forms L130*, L261*.
Identifiers: ClinVar variation 1460331 (VCV001460331.6), dbSNP rs1795353084, ClinGen allele CA369055485.